The following is an entry in ClinVar:

ClinVar aggregate classification (germline): Uncertain significance (1 of 4 stars; one submission).

Conditions:
Cardiovascular phenotype. Identifiers: MedGen CN230736.

Submission:

Ambry Genetics
Classification: Uncertain significance for Cardiovascular phenotype. Last evaluated: 2026-07-11. Review status: criteria provided, single submitter. Criteria: Ambry Variant Classification Scheme 2023. Collection method: clinical testing. Allele origin: germline.
Comment: The p.L798I variant (also known as c.2392C>A), located in coding exon 18 of the MYH6 gene, results from a C to A substitution at nucleotide position 2392. The leucine at codon 798 is replaced by isoleucine, an amino acid with highly similar properties. This amino acid position is conserved. In addition, the in silico prediction for this alteration is inconclusive. Based on the available evidence, the clinical significance of this variant remains unclear.

NM_002471.4(MYH6):c.2392C>A (p.Leu798Ile)

Gene: MYH6 (myosin heavy chain 6; minus strand). Cytogenetic location: 14q11.2.
Variant type: single nucleotide variant.
Coding change: c.2392C>A on transcript NM_002471.4 (MANE Select); coding-DNA position 2392, C replaced by A.
Protein change: p.Leu798Ile; replaces leucine 798 with isoleucine.
Molecular consequence: missense variant.
Genome position (GRCh38, 1-based): chr14:23,396,321, G>T on the plus strand (C>A on the coding strand, the complement: MYH6 is on the minus strand). VCF-style: chr14-23396321-G-T. GRCh37 (hg19) VCF-style: chr14-23865530-G-T.
Other names: short protein forms L798I.
Identifiers: ClinVar variation 5025125 (VCV005025125.1).